The following is an entry in ClinVar:

ClinVar aggregate classification (germline): Pathogenic (1 of 4 stars; one submission).

Conditions:
Rhabdoid tumor predisposition syndrome 2 (RTPS2). Identifiers: Orphanet 231108, Orphanet 69077, MedGen C2750074, MONDO:0013224, OMIM 613325.

Submission:

Labcorp Genetics (formerly Invitae), Labcorp
Classification: Pathogenic for Rhabdoid tumor predisposition syndrome 2. Last evaluated: 2016-10-21. Review status: criteria provided, single submitter. Criteria: Invitae Variant Classification Sherloc (09022015). Collection method: clinical testing. Allele origin: germline.
Comment: This sequence change deletes 1 nucleotide in exon 4 of the SMARCA4 mRNA (c.662delC), causing a frameshift at codon 221. This creates a premature translational stop signal (p.Pro221Leufs*82) and is expected to result in an absent or disrupted protein product. While this particular variant has not been reported in the literature, loss-of-function variants in SMARCA4 are known to be pathogenic (PMID: 24658001, 24658002). For these reasons, this variant has been classified as Pathogenic.

Literature cited by the submitters: PubMed 24658001; PubMed 24658002.

NM_003072.5(SMARCA4):c.662del (p.Pro221fs)

Gene: SMARCA4 (SWI/SNF related BAF chromatin remodeling complex subunit ATPase 4; plus strand). Cytogenetic location: 19p13.2.
Variant type: Deletion.
Coding change: c.662del on transcript NM_003072.5 (MANE Select); coding-DNA position 662, one base deleted (C; older notation c.662delC).
Protein change: p.Pro221fs; shifts the reading frame from proline 221.
Molecular consequence: frameshift variant. On other transcripts: non-coding transcript variant (1).
Genome position (GRCh38, 1-based): chr19:10,986,495, C deleted; the last of 2 consecutive C bases (chr19:10,986,494-10,986,495); deleting either gives the same sequence. VCF-style (leftmost placement, unchanged base first): chr19-10986493-AC-A. GRCh37 (hg19) VCF-style: chr19-11097169-AC-A.
Other names: c.662del, p.Pro221fs (NM_001128844.3, NM_001128845.2, NM_001128846.2 and 5 more transcripts); short protein forms P221fs.
Identifiers: ClinVar variation 408653 (VCV000408653.6), dbSNP rs1060502085, ClinGen allele CA16615861.
Genomic context (GRCh38, chr19:10,986,493, plus strand): 5'-GCAGATGGCGGTGCAGGGCAAGCGGCCGATGCCCGGGATGCAGCAGCAGATGCCAACGCT[AC>A]CTCCACCCTCGGTGTCCGCAACAGGACCCGGCCCTGGCCCTGGCCCTGGCCCCGGCCCGG-3'